The following is an entry in ClinVar:

NM_001128148.3(TFRC):c.670A>G (p.Lys224Glu)

Gene: TFRC (transferrin receptor; minus strand). Cytogenetic location: 3q29.
Variant type: single nucleotide variant.
Coding change: c.670A>G on transcript NM_001128148.3 (MANE Select); coding-DNA position 670, A replaced by G.
Protein change: p.Lys224Glu; replaces lysine 224 with glutamic acid.
Molecular consequence: missense variant. On other transcripts: 5 prime UTR variant (1).
Genome position (GRCh38, 1-based): chr3:196,071,413, T>C on the plus strand (A>G on the coding strand, the complement: TFRC is on the minus strand). VCF-style: chr3-196071413-T-C. GRCh37 (hg19) VCF-style: chr3-195798284-T-C.
Other names: c.427A>G, p.Lys143Glu (NM_001313965.2); c.-177A>G (NM_001313966.2); c.670A>G, p.Lys224Glu (NM_003234.4); short protein forms K143E, K224E.
Identifiers: ClinVar variation 4760375 (VCV004760375.1).

ClinVar aggregate classification (germline): Uncertain significance (1 of 4 stars; one submission).

Submission:

Labcorp Genetics (formerly Invitae), Labcorp
Classification: Uncertain significance. Last evaluated: 2025-04-11. Review status: criteria provided, single submitter. Criteria: Invitae Variant Classification Sherloc (09022015). Collection method: clinical testing. Allele origin: germline.
Comment: This sequence change replaces lysine, which is basic and polar, with glutamic acid, which is acidic and polar, at codon 224 of the TFRC protein (p.Lys224Glu). This variant is not present in population databases (gnomAD no frequency). This variant has not been reported in the literature in individuals affected with TFRC-related conditions. Invitae Evidence Modeling of protein sequence and biophysical properties (such as structural, functional, and spatial information, amino acid conservation, physicochemical variation, residue mobility, and thermodynamic stability) indicates that this missense variant is not expected to disrupt TFRC protein function with a negative predictive value of 80%. In summary, the available evidence is currently insufficient to determine the role of this variant in disease. Therefore, it has been classified as a Variant of Uncertain Significance.